The following is an entry in ClinVar:

ClinVar aggregate classification (germline): Likely benign. Review status: criteria provided, multiple submitters, no conflicts (2 of 4 stars). 10 submissions from 7 submitters: Likely benign (9). 1 of the submissions does not count toward it. Last evaluated 2025-08-20.

Conditions:
CACNA1S-related disorder. Also called: CACNA1S-related condition.
Hypokalemic periodic paralysis, type 1. Also called: HypoPP; Hypokalemic Periodic Paralysis Type 1 (AD). Identifiers: Orphanet 681, MedGen C3714580, MONDO:0042979, OMIM 170400.
Malignant hyperthermia, susceptibility to, 5 (MHS5). Also called: CACNA1S-Related Malignant Hyperthermia Susceptibility. Identifiers: Orphanet 423, MedGen C1866077, MONDO:0011163, OMIM 601887.
Thyrotoxic periodic paralysis, susceptibility to, 1 (TTPP1). Identifiers: Orphanet 79102, MedGen C2749982, MONDO:0008570, OMIM 188580.
Congenital myopathy 18. Also called: DIHYDROPYRIDINE RECEPTOR CONGENITAL MYOPATHY; DHPR CONGENITAL MYOPATHY; Myopathy, congenital, due to dihydropyridine receptor defect. Identifiers: MedGen C5830283, MONDO:0859514, OMIM 620246.

Allele frequency attached by ClinVar (database versions not stated): gnomAD exomes 0.00010; ExAC 0.00015; 1000 Genomes Project 30x 0.00016; 1000 Genomes Project 0.00020; gnomAD 0.00033 and 0.00038; ESP Exome Variant Server 0.00046; TOPMed 0.00048.
gnomAD v4.1: 127 of 1,614,026 alleles (0.0079%); highest among the groups gnomAD compares: African/African-American, 0.14%; 2 homozygotes.

Submissions (10):

Labcorp Genetics (formerly Invitae), Labcorp
Classification: Likely benign for Hypokalemic periodic paralysis, type 1; Malignant hyperthermia, susceptibility to, 5. Last evaluated: 2025-08-20. Review status: criteria provided, single submitter. Criteria: Invitae Variant Classification Sherloc (09022015). Collection method: clinical testing. Allele origin: germline.

All of Us Research Program, National Institutes of Health
Classification: Likely benign for Malignant hyperthermia, susceptibility to, 5. Last evaluated: 2024-02-05. Review status: criteria provided, single submitter. Criteria: ACMG Guidelines, 2015. Collection method: clinical testing. Allele origin: germline. Inheritance: Autosomal dominant inheritance. Observed: 26 variant alleles, 26 heterozygotes.
Comment: This study involves interpretation of variants in research participants for the purpose of population health screening. Participant phenotype was not available at the time of variant classification. Additional details can be found in publication PMID: 35346344, PMCID: PMC8962531

Genome-Nilou Lab
Classification: Likely benign for Malignant hyperthermia, susceptibility to, 5. Last evaluated: 2023-04-11. Review status: criteria provided, single submitter. Criteria: ACMG Guidelines, 2015. Collection method: clinical testing. Allele origin: germline. Affected: no.

Genome-Nilou Lab
Classification: Likely benign for Thyrotoxic periodic paralysis, susceptibility to, 1. Last evaluated: 2023-04-11. Review status: criteria provided, single submitter. Criteria: ACMG Guidelines, 2015. Collection method: clinical testing. Allele origin: germline. Affected: no.

Genome-Nilou Lab
Classification: Likely benign for Congenital myopathy 18. Last evaluated: 2023-04-11. Review status: criteria provided, single submitter. Criteria: ACMG Guidelines, 2015. Collection method: clinical testing. Allele origin: germline. Affected: no.

Genome-Nilou Lab
Classification: Likely benign for Hypokalemic periodic paralysis, type 1. Last evaluated: 2023-04-11. Review status: criteria provided, single submitter. Criteria: ACMG Guidelines, 2015. Collection method: clinical testing. Allele origin: germline. Affected: no.

Color Diagnostics, LLC DBA Color Health
Classification: Likely benign for Malignant hyperthermia, susceptibility to, 5. Last evaluated: 2022-11-06. Review status: criteria provided, single submitter. Criteria: ACMG Guidelines, 2015. Collection method: clinical testing. Allele origin: germline.

Fulgent Genetics
Classification: Likely benign for Hypokalemic periodic paralysis, type 1; Thyrotoxic periodic paralysis, susceptibility to, 1; Malignant hyperthermia, susceptibility to, 5. Last evaluated: 2021-07-17. Review status: criteria provided, single submitter. Criteria: ACMG Guidelines, 2015. Collection method: clinical testing. Allele origin: unknown.

Blueprint Genetics
Classification: Likely benign. Last evaluated: 2019-08-27. Review status: criteria provided, single submitter. Criteria: ACMG Guidelines, 2015. Collection method: clinical testing. Allele origin: germline.

PreventionGenetics, part of Exact Sciences
Classification: Likely benign for CACNA1S-related condition. Last evaluated: 2021-06-29. Review status: no assertion criteria provided. Collection method: clinical testing. Allele origin: germline. Not counted in ClinVar's aggregate classification.
Comment: This variant is classified as likely benign based on ACMG/AMP sequence variant interpretation guidelines (Richards et al. 2015 PMID: 25741868, with internal and published modifications).

NM_000069.3(CACNA1S):c.4521C>T (p.Asp1507=)

Gene: CACNA1S (calcium voltage-gated channel subunit alpha1 S; minus strand). Cytogenetic location: 1q32.1.
Variant type: single nucleotide variant.
Coding change: c.4521C>T on transcript NM_000069.3 (MANE Select); coding-DNA position 4521, C replaced by T.
Protein change: p.Asp1507=; no amino-acid change (aspartic acid 1507 retained).
Molecular consequence: synonymous variant.
Genome position (GRCh38, 1-based): chr1:201,047,547, G>A on the plus strand (C>T on the coding strand, the complement: CACNA1S is on the minus strand). VCF-style: chr1-201047547-G-A. GRCh37 (hg19) VCF-style: chr1-201016675-G-A.
Identifiers: ClinVar variation 695956 (VCV000695956.18), dbSNP rs150962971, ClinGen allele CA083403.
Genomic context (GRCh38, chr1:201,047,547, plus strand): 5'-GCTGCTTCTGGACTCTGGTCCCCCAAAGTAGCACCTACCTCCTATTGGAGGGATGACCTG[G>A]TCCAAGAGCTTCATGCTGGTTCTCTTCCAGATCTTCTTGATGATGGCCCTCAGCTCCTCG-3'
Protein context (NP_000060.2, residues 1497-1517): IWKRTSMKLL[Asp1507=]QVIPPIGDDE